The following is an entry in ClinVar:

ClinVar aggregate classification (germline): Uncertain significance. Review status: criteria provided, multiple submitters, no conflicts (2 of 4 stars). 2 submissions from 2 submitters: Uncertain significance (2). Last evaluated 2022-03-22.

Conditions:
Inborn genetic diseases. Identifiers: MedGen C0950123, MeSH D030342.

Allele frequency attached by ClinVar (database versions not stated): gnomAD exomes 0.00001.
gnomAD v4.1: 3 of 1,613,430 alleles (0.00019%); highest among the groups gnomAD compares: Non-Finnish European, 0.00025%; no homozygotes.

Submissions (2):

Labcorp Genetics (formerly Invitae), Labcorp
Classification: Uncertain significance. Last evaluated: 2022-03-22. Review status: criteria provided, single submitter. Criteria: Invitae Variant Classification Sherloc (09022015). Collection method: clinical testing. Allele origin: germline.
Comment: In summary, the available evidence is currently insufficient to determine the role of this variant in disease. Therefore, it has been classified as a Variant of Uncertain Significance. Algorithms developed to predict the effect of missense changes on protein structure and function (SIFT, PolyPhen-2, Align-GVGD) all suggest that this variant is likely to be tolerated. This variant has not been reported in the literature in individuals affected with ADAM9-related conditions. This variant is present in population databases (no rsID available, gnomAD 0.0009%). This sequence change replaces glutamine, which is neutral and polar, with arginine, which is basic and polar, at codon 525 of the ADAM9 protein (p.Gln525Arg).

Ambry Genetics
Classification: Uncertain significance for Inborn genetic diseases. Last evaluated: 2022-02-09. Review status: criteria provided, single submitter. Criteria: Ambry Variant Classification Scheme 2023. Collection method: clinical testing. Allele origin: germline.

NM_003816.3(ADAM9):c.1574A>G (p.Gln525Arg)

Gene: ADAM9 (ADAM metallopeptidase domain 9; plus strand). Cytogenetic location: 8p11.22.
Variant type: single nucleotide variant.
Coding change: c.1574A>G on transcript NM_003816.3 (MANE Select); coding-DNA position 1574, A replaced by G.
Protein change: p.Gln525Arg; replaces glutamine 525 with arginine.
Molecular consequence: missense variant. On other transcripts: non-coding transcript variant (3).
Genome position (GRCh38, 1-based): chr8:39,055,755, A>G. VCF-style: chr8-39055755-A-G. GRCh37 (hg19) VCF-style: chr8-38913274-A-G.
Other names: short protein forms Q525R.
Identifiers: ClinVar variation 1958069 (VCV001958069.6), dbSNP rs1250134502, ClinGen allele CA370743908.